The following is an entry in ClinVar:

NM_014014.5(SNRNP200):c.2168T>C (p.Val723Ala)

Gene: SNRNP200 (small nuclear ribonucleoprotein U5 subunit 200; minus strand). Cytogenetic location: 2q11.2.
Variant type: single nucleotide variant.
Coding change: c.2168T>C on transcript NM_014014.5 (MANE Select); coding-DNA position 2168, T replaced by C.
Protein change: p.Val723Ala; replaces valine 723 with alanine.
Molecular consequence: missense variant.
Genome position (GRCh38, 1-based): chr2:96,291,893, A>G on the plus strand (T>C on the coding strand, the complement: SNRNP200 is on the minus strand). VCF-style: chr2-96291893-A-G. GRCh37 (hg19) VCF-style: chr2-96957631-A-G.
Other names: short protein forms V723A.
Identifiers: ClinVar variation 3668342 (VCV003668342.2).

ClinVar aggregate classification (germline): Uncertain significance (1 of 4 stars; one submission).

Submission:

Labcorp Genetics (formerly Invitae), Labcorp
Classification: Uncertain significance. Last evaluated: 2024-04-12. Review status: criteria provided, single submitter. Criteria: Invitae Variant Classification Sherloc (09022015). Collection method: clinical testing. Allele origin: germline.
Comment: This sequence change replaces valine, which is neutral and non-polar, with alanine, which is neutral and non-polar, at codon 723 of the SNRNP200 protein (p.Val723Ala). This variant is not present in population databases (gnomAD no frequency). This variant has not been reported in the literature in individuals affected with SNRNP200-related conditions. Advanced modeling of protein sequence and biophysical properties (such as structural, functional, and spatial information, amino acid conservation, physicochemical variation, residue mobility, and thermodynamic stability) performed at Invitae indicates that this missense variant is expected to disrupt SNRNP200 protein function with a positive predictive value of 80%. In summary, the available evidence is currently insufficient to determine the role of this variant in disease. Therefore, it has been classified as a Variant of Uncertain Significance.